The following is an entry in ClinVar:

ClinVar aggregate classification (germline): Uncertain significance (1 of 4 stars; one submission).

Conditions:
ALG1-congenital disorder of glycosylation. Also called: ALG1-CDG; CONGENITAL DISORDER OF GLYCOSYLATION, TYPE Ik; CDG Ik. Identifiers: Orphanet 79327, MedGen C2931005, MONDO:0012052, OMIM 608540.

gnomAD v4.1: 1 of 1,596,848 alleles (0.000063%); highest among the groups gnomAD compares: Non-Finnish European, 0.000085%; no homozygotes.

Submission:

Labcorp Genetics (formerly Invitae), Labcorp
Classification: Uncertain significance for ALG1-congenital disorder of glycosylation. Last evaluated: 2022-08-08. Review status: criteria provided, single submitter. Criteria: Invitae Variant Classification Sherloc (09022015). Collection method: clinical testing. Allele origin: germline.
Comment: This sequence change replaces methionine, which is neutral and non-polar, with threonine, which is neutral and polar, at codon 58 of the ALG1 protein (p.Met58Thr). This variant is not present in population databases (gnomAD no frequency). This variant has not been reported in the literature in individuals affected with ALG1-related conditions. Advanced modeling of protein sequence and biophysical properties (such as structural, functional, and spatial information, amino acid conservation, physicochemical variation, residue mobility, and thermodynamic stability) performed at Invitae indicates that this missense variant is not expected to disrupt ALG1 protein function. In summary, the available evidence is currently insufficient to determine the role of this variant in disease. Therefore, it has been classified as a Variant of Uncertain Significance.

NM_019109.5(ALG1):c.173T>C (p.Met58Thr)

Genes: ALG1 (ALG1 chitobiosyldiphosphodolichol beta-mannosyltransferase; plus strand), LOC130058384 (ATAC-STARR-seq lymphoblastoid active region 10349; plus strand). Cytogenetic location: 16p13.3.
Variant type: single nucleotide variant.
Coding change: c.173T>C on transcript NM_019109.5 (MANE Select); coding-DNA position 173, T replaced by C.
Protein change: p.Met58Thr; replaces methionine 58 with threonine.
Molecular consequence: missense variant.
Genome position (GRCh38, 1-based): chr16:5,072,022, T>C. VCF-style: chr16-5072022-T-C. GRCh37 (hg19) VCF-style: chr16-5122023-T-C.
Other names: short protein forms M58T.
Identifiers: ClinVar variation 1715760 (VCV001715760.3), dbSNP rs1956825061, ClinGen allele CA394678723.